The following is an entry in ClinVar:

ClinVar aggregate classification (germline): Likely benign (0 of 4 stars; one submission).

Conditions:
AFF4-related disorder. Also called: AFF4-related condition.

gnomAD v4.1: 3 of 1,613,996 alleles (0.00019%); highest among the groups gnomAD compares: Admixed American, 0.0017%; no homozygotes.

Submission:

PreventionGenetics, part of Exact Sciences
Classification: Likely benign for AFF4-related condition. Last evaluated: 2024-06-05. Review status: no assertion criteria provided. Collection method: clinical testing. Allele origin: germline.
Comment: This variant is classified as likely benign based on ACMG/AMP sequence variant interpretation guidelines (Richards et al. 2015 PMID: 25741868, with internal and published modifications).

NM_014423.4(AFF4):c.1791C>T (p.Pro597=)

Gene: AFF4 (ALF transcription elongation factor 4; minus strand). Cytogenetic location: 5q31.1.
Variant type: single nucleotide variant.
Coding change: c.1791C>T on transcript NM_014423.4 (MANE Select); coding-DNA position 1791, C replaced by T.
Protein change: p.Pro597=; no amino-acid change (proline 597 retained).
Molecular consequence: synonymous variant.
Genome position (GRCh38, 1-based): chr5:132,896,839, G>A on the plus strand (C>T on the coding strand, the complement: AFF4 is on the minus strand). VCF-style: chr5-132896839-G-A. GRCh37 (hg19) VCF-style: chr5-132232531-G-A.
Identifiers: ClinVar variation 3344938 (VCV003344938.1).
Genomic context (GRCh38, chr5:132,896,839, plus strand): 5'-AGACTCCTTCTTTATATTGGGTTTCCTTGAGCCTTTGGTGGCTGCTTTGTGTCTGCTGGA[G>A]GGCATGCTGCTAGCCAAGTCTACAGGGGTTTCACTTTCTATCTTCAGGCCTCCACGAGGC-3'
Protein context (NP_055238.1, residues 587-607): ETPVDLASSM[Pro597=]SSRHKAATKG